The following is an entry in ClinVar:

NM_015272.5(RPGRIP1L):c.3739G>A (p.Glu1247Lys)

Gene: RPGRIP1L (RPGRIP1 like; minus strand). Cytogenetic location: 16q12.2.
Variant type: single nucleotide variant.
Coding change: c.3739G>A on transcript NM_015272.5 (MANE Select); coding-DNA position 3739, G replaced by A.
Protein change: p.Glu1247Lys; replaces glutamic acid 1247 with lysine.
Molecular consequence: missense variant.
Genome position (GRCh38, 1-based): chr16:53,605,577, C>T on the plus strand (G>A on the coding strand, the complement: RPGRIP1L is on the minus strand). VCF-style: chr16-53605577-C-T. GRCh37 (hg19) VCF-style: chr16-53639489-C-T.
Other names: c.3739G>A (NM_015272.4); c.3499G>A, p.Glu1167Lys (NM_001127897.4); c.3601G>A, p.Glu1201Lys (NM_001308334.3); c.3637G>A, p.Glu1213Lys (NM_001330538.2); short protein forms E1247K, E1213K, E1167K, E1201K.
Identifiers: ClinVar variation 971363 (VCV000971363.8), dbSNP rs201312119, ClinGen allele CA8057190.

ClinVar aggregate classification (germline): Uncertain significance. Review status: criteria provided, multiple submitters, no conflicts (2 of 4 stars). 6 submissions from 6 submitters: Uncertain significance (4). 2 of the submissions do not count toward it. Last evaluated 2024-10-16.

Conditions:
Meckel-Gruber syndrome. Also called: DYSENCEPHALIA SPLANCHNOCYSTICA; GRUBER SYNDROME; Dysencephalia splachnocystica. Identifiers: Orphanet 564, MedGen C0265215, MONDO:0018921.
Joubert syndrome. Also called: JOUBERT-BOLTSHAUSER SYNDROME; Familial aplasia of the vermis. Identifiers: Orphanet 475, MedGen C5979921, MONDO:0018772.
RPGRIP1L-related disorder. Also called: RPGRIP1L-related disorders; RPGRIP1L-related condition. Identifiers: MedGen CN239416.

Allele frequency attached by ClinVar (database versions not stated): gnomAD exomes 0.00003 and 0.00004; TOPMed 0.00003; ExAC 0.00004; 1000 Genomes Project 30x 0.00031; ESP Exome Variant Server 0.00015; 1000 Genomes Project 0.00020; gnomAD 0.00004.
gnomAD v4.1: 70 of 1,614,086 alleles (0.0043%); highest among the groups gnomAD compares: East Asian, 0.011%; no homozygotes.

Submissions (6):

GeneDx
Classification: Uncertain significance. Last evaluated: 2024-10-16. Review status: criteria provided, single submitter. Criteria: GeneDx Variant Classification Process June 2021. Collection method: clinical testing. Allele origin: germline. Affected: yes.
Comment: In silico analysis supports that this missense variant has a deleterious effect on protein structure/function; Has not been previously published as pathogenic or benign to our knowledge

Labcorp Genetics (formerly Invitae), Labcorp
Classification: Uncertain significance for Joubert syndrome; Meckel-Gruber syndrome. Last evaluated: 2022-02-09. Review status: criteria provided, single submitter. Criteria: Invitae Variant Classification Sherloc (09022015). Collection method: clinical testing. Allele origin: germline.
Comment: This sequence change replaces glutamic acid, which is acidic and polar, with lysine, which is basic and polar, at codon 1247 of the RPGRIP1L protein (p.Glu1247Lys). This variant is present in population databases (rs201312119, gnomAD 0.02%). This variant has not been reported in the literature in individuals affected with RPGRIP1L-related conditions. ClinVar contains an entry for this variant (Variation ID: 971363). Algorithms developed to predict the effect of missense changes on protein structure and function (SIFT, PolyPhen-2, Align-GVGD) all suggest that this variant is likely to be tolerated. In summary, the available evidence is currently insufficient to determine the role of this variant in disease. Therefore, it has been classified as a Variant of Uncertain Significance.

Blueprint Genetics
Classification: Uncertain significance. Last evaluated: 2021-08-21. Review status: criteria provided, single submitter. Criteria: ACMG Guidelines, 2015. Collection method: clinical testing. Allele origin: germline.

Breakthrough Genomics
Classification: Uncertain significance. Review status: criteria provided, single submitter. Criteria: ACMG Guidelines, 2015. Collection method: not provided. Allele origin: germline. Inheritance: Autosomal recessive inheritance. Affected: yes.

PreventionGenetics, part of Exact Sciences
Classification: Uncertain significance for RPGRIP1L-related condition. Last evaluated: 2024-05-27. Review status: no assertion criteria provided. Collection method: clinical testing. Allele origin: germline. Not counted in ClinVar's aggregate classification.
Comment: The RPGRIP1L c.3739G>A variant is predicted to result in the amino acid substitution p.Glu1247Lys. To our knowledge, this variant has not been reported in the literature. This variant is reported in 0.022% of alleles in individuals of East Asian descent in gnomAD. At this time, the clinical significance of this variant is uncertain due to the absence of conclusive functional and genetic evidence.

Natera, Inc.
Classification: Uncertain significance for Joubert syndrome. Last evaluated: 2020-11-05. Review status: no assertion criteria provided. Collection method: clinical testing. Allele origin: germline. Not counted in ClinVar's aggregate classification.